The following is an entry in ClinVar:

NM_000152.5(GAA):c.1924G>T (p.Val642Phe)

Gene: GAA (alpha glucosidase; plus strand). Cytogenetic location: 17q25.3.
Variant type: single nucleotide variant.
Coding change: c.1924G>T on transcript NM_000152.5 (MANE Select); coding-DNA position 1924, G replaced by T.
Protein change: p.Val642Phe; replaces valine 642 with phenylalanine.
Molecular consequence: missense variant.
Genome position (GRCh38, 1-based): chr17:80,112,911, G>T. VCF-style: chr17-80112911-G-T. GRCh37 (hg19) VCF-style: chr17-78086710-G-T.
Other names: NM_000152.5(GAA):c.1924G>T; p.Val642Phe; c.1924G>T, p.Val642Phe (NM_001079803.3, NM_001079804.3, NM_001406741.1 and 1 more transcripts); c.1924G>T (NM_000152.4); short protein forms V642F.
Identifiers: ClinVar variation 2675763 (VCV002675763.5), dbSNP rs1567835613, ClinGen allele CA401369892.
Genomic context (GRCh38, chr17:80,112,911, plus strand): 5'-GACCAGCCTGACTCTGCCCTCCCAGAAATCCTGCAGTTTAACCTGCTGGGGGTGCCTCTG[G>T]TCGGGGCCGACGTCTGCGGCTTCCTGGGCAACACCTCAGAGGAGCTGTGTGTGCGCTGGA-3'
Protein context (NP_000143.2, residues 632-652): LQFNLLGVPL[Val642Phe]GADVCGFLGN

ClinVar aggregate classification (germline): Uncertain significance. Review status: reviewed by expert panel (3 of 4 stars). 4 submissions from 4 submitters: Uncertain significance (1). 3 of the submissions do not count toward it. Last evaluated 2026-04-07.

Conditions:
Glycogen storage disease, type II (IOPD). Also called: CARDIOMEGALIA GLYCOGENICA DIFFUSA; GLYCOGENOSIS, GENERALIZED, CARDIAC FORM; GSD II; Glycogen storage disease type 2; Acid maltase deficiency disease; Aglucosidase alfa. Identifiers: Orphanet 365, MedGen C0017921, MONDO:0009290, OMIM 232300.

gnomAD v4.1: 1 of 1,610,610 alleles (0.000062%); highest among the groups gnomAD compares: Non-Finnish European, 0.000085%; no homozygotes.

Submissions (4):

ClinGen Lysosomal Storage Disorder Variant Curation Expert Panel
Classification: Uncertain significance for Glycogen storage disease, type II. Last evaluated: 2026-04-07. Review status: reviewed by expert panel. Criteria: clingen_lsd_acmg_specifications_v2-1. Collection method: curation. Allele origin: germline. Inheritance: Autosomal recessive inheritance.
Comment: The NM_000152.5:c.1924G>T variant in GAA is a missense variant predicted to cause substitution of valine by phenylalanine at amino acid 642 (p.Val642Phe). One proband with symptoms consistent with infantile-onset Pompe disease has been reported (PMID: 26310554). A second proband with a reported diagnosis of infantile-onset Pompe disease has also been reported, but clinical features were not documented (PMID: 29122469). Both probands are compound heterozygous for the variant and a variant classified as pathogenic by the ClinGen Lysosomal Diseases VCEP, c.2105G>A (p.Arg702His) (PMID: 26310554) and c.1210G>A (p.Asp404Asn) (PMID: 29122469) (PM3). The highest population minor allele frequency for this variant in gnomAD v4.1.0. is 0.0000008483 (1/1178846 alleles) in the European (non-Finnish) population, which is lower than the ClinGen Lysosomal Diseases VCEP’s threshold for PM2_Supporting (<0.001), meeting this criterion (PM2_Supporting). The computational predictor REVEL gives a score of 0.946 which is above the threshold of 0.7, evidence that correlates with impact to GAA function (PP3). There is a ClinVar entry for this variant (Variation ID: 2675763). In summary, this variant meets the criteria to be classified as uncertain significance for Pompe disease. GAA-specific ACMG/AMP criteria met, based on the specifications of the ClinGen Lysosomal Diseases Variant Curation Expert Panel (Specifications Version 2.0): PM3, PP3, PP4, PM2_Supporting. (Classification approved by the ClinGen Lysosomal Diseases Variant Curation Expert Panel, April 7, 2026)

Genomenon, Inc
Classification: Uncertain significance for Glycogen storage disease, type II. Last evaluated: 2026-07-01. Review status: criteria provided, single submitter. Criteria: Genomenon Sequence Variant Interpretation Standards - Updated. Collection method: curation. Allele origin: germline. Not counted in ClinVar's aggregate classification.
Comment: GAA p.Val642Phe (c.1924G>T) is a missense variant that changes the amino acid at codon 642 from Valine to Phenylalanine. This variant has been reported in the compound heterozygous and/or homozygous state in at least one individual without a confirmed diagnosis of Pompe disease (PMID:29122469). It is absent or not present at a significant frequency in gnomAD. In silico models predict that this variant is possibly or probably damaging. In conclusion, we classify GAA p.Val642Phe (c.1924G>T) as a variant of uncertain significance.

Natera, Inc.
Classification: Likely pathogenic for Glycogen storage disease type II. Last evaluated: 2025-03-21. Review status: criteria provided, single submitter. Criteria: Natera Variant Classification Schema (03/2026). Collection method: clinical testing. Allele origin: germline. Not counted in ClinVar's aggregate classification.
Comment: The c.1924G>T variant in GAA is a missense variant predicted to cause substitution of valine to phenylalanine at amino acid 642. This variant is rare in the general population with a frequency below the threshold expected for the associated phenotype(s). This variant has been observed in one or more individuals affected with the associated recessive disease, as either homozygous or compound heterozygous with a second variant (PMID: 29122469, 26310554). This variant has been identified in one or more affected individuals with a phenotype highly consistent with the associated gene (PMID: 29122469). Computational prediction algorithms indicate this variant is likely to affect gene or protein function. Given the available evidence, this variant is classified as Likely Pathogenic.

Baylor Genetics
Classification: Likely pathogenic for Glycogen storage disease, type II. Last evaluated: 2023-08-01. Review status: criteria provided, single submitter. Criteria: ACMG Guidelines, 2015. Collection method: clinical testing. Allele origin: unknown. Not counted in ClinVar's aggregate classification.

Literature cited by the submitters: PubMed 29122469 (cited by Genomenon, Inc and Natera, Inc.); PubMed 26310554 (cited by Natera, Inc.).